The following is an entry in ClinVar:

NM_002047.4(GARS1):c.2096T>A (p.Ile699Asn)

Gene: GARS1 (glycyl-tRNA synthetase 1; plus strand). Cytogenetic location: 7p14.3.
Variant type: single nucleotide variant.
Coding change: c.2096T>A on transcript NM_002047.4 (MANE Select); coding-DNA position 2096, T replaced by A.
Protein change: p.Ile699Asn; replaces isoleucine 699 with asparagine.
Molecular consequence: missense variant.
Genome position (GRCh38, 1-based): chr7:30,633,736, T>A. VCF-style: chr7-30633736-T-A. GRCh37 (hg19) VCF-style: chr7-30673352-T-A.
Other names: c.1934T>A, p.Ile645Asn (NM_001316772.1); short protein forms I645N, I699N.
Identifiers: ClinVar variation 1321126 (VCV001321126.2), dbSNP rs2128136441, ClinGen allele CA367131807.

ClinVar aggregate classification (germline): Uncertain significance (1 of 4 stars; one submission).

Submission:

GeneDx
Classification: Uncertain significance. Last evaluated: 2020-11-09. Review status: criteria provided, single submitter. Criteria: GeneDx Variant Classification Process June 2021. Collection method: clinical testing. Allele origin: germline. Affected: yes.
Comment: Not observed in large population cohorts (Lek et al., 2016); In silico analysis supports that this missense variant has a deleterious effect on protein structure/function; Has not been previously published as pathogenic or benign to our knowledge